The following is an entry in ClinVar:

ClinVar aggregate classification (germline): Uncertain significance. Review status: criteria provided, single submitter (1 of 4 stars). 2 submissions from 2 submitters: Uncertain significance (1). 1 of the submissions does not count toward it. Last evaluated 2018-01-13.

Conditions:
ADAMTSL2-related disorder. Also called: ADAMTSL2-related condition.
Geleophysic dysplasia 1 (GPHYSD1). Also called: Geleophysic dwarfism. Identifiers: Orphanet 2623, MedGen C3278147, MONDO:0009269, OMIM 231050.

Allele frequency attached by ClinVar (database versions not stated): gnomAD exomes 0.00004; gnomAD 0.00008 and 0.00009; ESP Exome Variant Server 0.00009; TOPMed 0.00013.
gnomAD v4.1: 120 of 1,550,398 alleles (0.0077%); highest among the groups gnomAD compares: African/African-American, 0.0096%; no homozygotes.

Submissions (2):

Illumina Laboratory Services, Illumina
Classification: Uncertain significance for Geleophysic dysplasia 1. Last evaluated: 2018-01-13. Review status: criteria provided, single submitter. Criteria: ICSL Variant Classification Criteria 13 December 2019. Collection method: clinical testing. Allele origin: germline.

PreventionGenetics, part of Exact Sciences
Classification: Likely benign for ADAMTSL2-related condition. Last evaluated: 2020-01-30. Review status: no assertion criteria provided. Collection method: clinical testing. Allele origin: germline. Not counted in ClinVar's aggregate classification.
Comment: This variant is classified as likely benign based on ACMG/AMP sequence variant interpretation guidelines (Richards et al. 2015 PMID: 25741868, with internal and published modifications).

NM_014694.4(ADAMTSL2):c.412+10G>A

Gene: ADAMTSL2 (ADAMTS like 2; plus strand). Cytogenetic location: 9q34.2.
Variant type: single nucleotide variant.
Coding change: c.412+10G>A on transcript NM_014694.4 (MANE Select); 10 bases into the intron after coding-DNA position 412, G replaced by A.
Molecular consequence: intron variant.
Genome position (GRCh38, 1-based): chr9:133,539,883, G>A. VCF-style: chr9-133539883-G-A. GRCh37 (hg19) VCF-style: chr9-136405005-G-A.
Other names: c.412+10G>A (NM_001145320.2).
Identifiers: ClinVar variation 912855 (VCV000912855.6), dbSNP rs375029785, ClinGen allele CA200959089.